The following is an entry in ClinVar:

ClinVar aggregate classification (germline): Uncertain significance (1 of 4 stars; one submission).

gnomAD v4.1: 2 of 1,614,178 alleles (0.00012%); highest among the groups gnomAD compares: Non-Finnish European, 0.00017%; no homozygotes.

Submission:

Women's Health and Genetics/Laboratory Corporation of America, LabCorp
Classification: Uncertain significance. Last evaluated: 2025-11-12. Review status: criteria provided, single submitter. Criteria: LabCorp Variant Classification Summary - May 2015. Collection method: clinical testing. Allele origin: germline.
Comment: Variant summary: TCF20 c.4450G>C (p.Gly1484Arg) results in a non-conservative amino acid change in the encoded protein sequence. Algorithms developed to predict the effect of missense changes on protein structure and function are either unavailable or do not agree on the potential impact of this missense change. The variant was absent in 251406 control chromosomes. The available data on variant occurrences in the general population are insufficient to allow any conclusion about variant significance. To our knowledge, no occurrence of c.4450G>C in individuals affected with TCF20-related conditions and no experimental evidence demonstrating its impact on protein function have been reported. No submitters have cited clinical-significance assessments for this variant to ClinVar. Based on the evidence outlined above, the variant was classified as uncertain significance.

NM_001378418.1(TCF20):c.4450G>C (p.Gly1484Arg)

Gene: TCF20 (transcription factor 20; minus strand). Cytogenetic location: 22q13.2.
Variant type: single nucleotide variant.
Coding change: c.4450G>C on transcript NM_001378418.1 (MANE Select); coding-DNA position 4450, G replaced by C.
Protein change: p.Gly1484Arg; replaces glycine 1484 with arginine.
Molecular consequence: missense variant.
Genome position (GRCh38, 1-based): chr22:42,210,856, C>G on the plus strand (G>C on the coding strand, the complement: TCF20 is on the minus strand). VCF-style: chr22-42210856-C-G. GRCh37 (hg19) VCF-style: chr22-42606862-C-G.
Other names: c.4450G>C, p.Gly1484Arg (NM_005650.4, NM_181492.3); short protein forms G1484R.
Identifiers: ClinVar variation 4536765 (VCV004536765.1).